The following is an entry in ClinVar:

ClinVar aggregate classification (germline): Uncertain significance. Review status: criteria provided, multiple submitters, no conflicts (2 of 4 stars). 2 submissions from 2 submitters: Uncertain significance (2). Last evaluated 2022-08-02.

Conditions:
Inborn genetic diseases. Identifiers: MedGen C0950123, MeSH D030342.

gnomAD v4.1: 3 of 1,614,038 alleles (0.00019%); highest among the groups gnomAD compares: Non-Finnish European, 0.00025%; no homozygotes.

Submissions (2):

Ambry Genetics
Classification: Uncertain significance for Inborn genetic diseases. Last evaluated: 2022-08-02. Review status: criteria provided, single submitter. Criteria: Ambry Variant Classification Scheme 2023. Collection method: clinical testing. Allele origin: germline.

Labcorp Genetics (formerly Invitae), Labcorp
Classification: Uncertain significance. Last evaluated: 2022-07-02. Review status: criteria provided, single submitter. Criteria: Invitae Variant Classification Sherloc (09022015). Collection method: clinical testing. Allele origin: germline.
Comment: In summary, the available evidence is currently insufficient to determine the role of this variant in disease. Therefore, it has been classified as a Variant of Uncertain Significance. Algorithms developed to predict the effect of missense changes on protein structure and function are either unavailable or do not agree on the potential impact of this missense change (SIFT: "Deleterious"; PolyPhen-2: "Probably Damaging"; Align-GVGD: "Class C0"). This variant has not been reported in the literature in individuals affected with TUBGCP4-related conditions. This variant is not present in population databases (gnomAD no frequency). This sequence change replaces proline, which is neutral and non-polar, with histidine, which is basic and polar, at codon 166 of the TUBGCP4 protein (p.Pro166His).

NM_014444.5(TUBGCP4):c.497C>A (p.Pro166His)

Gene: TUBGCP4 (tubulin gamma complex component 4; plus strand). Cytogenetic location: 15q15.3.
Variant type: single nucleotide variant.
Coding change: c.497C>A on transcript NM_014444.5 (MANE Select); coding-DNA position 497, C replaced by A.
Protein change: p.Pro166His; replaces proline 166 with histidine.
Molecular consequence: missense variant.
Genome position (GRCh38, 1-based): chr15:43,380,139, C>A. VCF-style: chr15-43380139-C-A. GRCh37 (hg19) VCF-style: chr15-43672337-C-A.
Other names: c.497C>A, p.Pro166His (NM_001286414.3); short protein forms P166H.
Identifiers: ClinVar variation 2013362 (VCV002013362.5), dbSNP rs2044266298, ClinGen allele CA392119116.
Genomic context (GRCh38, chr15:43,380,139, plus strand): 5'-CACAGATTCATGGTTGTCAAATCCTGGAAACAGTCTACAAACACAGCTGTGGGGGGTTGC[C>A]TCCTGTTCGAAGTGCACTGGAAAAGTAAGTCATGGCTTAACTGGGAATTGGTGGTGGAGG-3'
Protein context (NP_055259.2, residues 156-176): TVYKHSCGGL[Pro166His]PVRSALEKIL